The following is an entry in ClinVar:

NM_206933.4(USH2A):c.8342C>G (p.Thr2781Ser)

Gene: USH2A (usherin; minus strand). Cytogenetic location: 1q41.
Variant type: single nucleotide variant.
Coding change: c.8342C>G on transcript NM_206933.4 (MANE Select); coding-DNA position 8342, C replaced by G.
Protein change: p.Thr2781Ser; replaces threonine 2781 with serine.
Molecular consequence: missense variant.
Genome position (GRCh38, 1-based): chr1:215,878,980, G>C on the plus strand (C>G on the coding strand, the complement: USH2A is on the minus strand). VCF-style: chr1-215878980-G-C. GRCh37 (hg19) VCF-style: chr1-216052322-G-C.
Other names: short protein forms T2781S.
Identifiers: ClinVar variation 1951686 (VCV001951686.5), dbSNP rs143240767, ClinGen allele CA344831939.

ClinVar aggregate classification (germline): Uncertain significance (1 of 4 stars; one submission).

Submission:

Labcorp Genetics (formerly Invitae), Labcorp
Classification: Uncertain significance. Last evaluated: 2025-03-31. Review status: criteria provided, single submitter. Criteria: Invitae Variant Classification Sherloc (09022015). Collection method: clinical testing. Allele origin: germline.
Comment: This sequence change replaces threonine, which is neutral and polar, with serine, which is neutral and polar, at codon 2781 of the USH2A protein (p.Thr2781Ser). This variant is not present in population databases (gnomAD no frequency). This variant has not been reported in the literature in individuals affected with USH2A-related conditions. ClinVar contains an entry for this variant (Variation ID: 1951686). Invitae Evidence Modeling of protein sequence and biophysical properties (such as structural, functional, and spatial information, amino acid conservation, physicochemical variation, residue mobility, and thermodynamic stability) indicates that this missense variant is not expected to disrupt USH2A protein function with a negative predictive value of 95%. Algorithms developed to predict the effect of sequence changes on RNA splicing suggest that this variant may create or strengthen a splice site. In summary, the available evidence is currently insufficient to determine the role of this variant in disease. Therefore, it has been classified as a Variant of Uncertain Significance.